The following is an entry in ClinVar:

ClinVar aggregate classification (germline): Uncertain significance (1 of 4 stars; one submission).

Submission:

GeneDx
Classification: Uncertain significance. Last evaluated: 2025-08-14. Review status: criteria provided, single submitter. Criteria: GeneDx Variant Classification Process June 2021. Collection method: clinical testing. Allele origin: germline. Affected: yes.
Comment: Not observed at significant frequency in large population cohorts (gnomAD); In silico analysis supports that this missense variant has a deleterious effect on protein structure/function; Has not been previously published as pathogenic or benign to our knowledge

NM_005045.4(RELN):c.7432G>T (p.Gly2478Trp)

Gene: RELN (reelin; minus strand). Cytogenetic location: 7q22.1.
Variant type: single nucleotide variant.
Coding change: c.7432G>T on transcript NM_005045.4 (MANE Select); coding-DNA position 7432, G replaced by T.
Protein change: p.Gly2478Trp; replaces glycine 2478 with tryptophan.
Molecular consequence: missense variant.
Genome position (GRCh38, 1-based): chr7:103,523,449, C>A on the plus strand (G>T on the coding strand, the complement: RELN is on the minus strand). VCF-style: chr7-103523449-C-A. GRCh37 (hg19) VCF-style: chr7-103163896-C-A.
Other names: c.7432G>T, p.Gly2478Trp (NM_173054.3); short protein forms G2478W.
Identifiers: ClinVar variation 4795761 (VCV004795761.1).